The following is an entry in ClinVar:

NM_144991.3(TSPEAR):c.542+14C>T

Gene: TSPEAR (thrombospondin type laminin G domain and EAR repeats; minus strand). Cytogenetic location: 21q22.3.
Variant type: single nucleotide variant.
Coding change: c.542+14C>T on transcript NM_144991.3 (MANE Select); 14 bases into the intron after coding-DNA position 542, C replaced by T.
Molecular consequence: intron variant.
Genome position (GRCh38, 1-based): chr21:44,533,671, G>A on the plus strand (C>T on the coding strand, the complement: TSPEAR is on the minus strand). VCF-style: chr21-44533671-G-A. GRCh37 (hg19) VCF-style: chr21-45953554-G-A.
Other names: c.338+14C>T (NM_001272037.2).
Identifiers: ClinVar variation 227138 (VCV000227138.16), dbSNP rs200116408, ClinGen allele CA10056981.

ClinVar aggregate classification (germline): Benign/Likely benign. Review status: criteria provided, multiple submitters, no conflicts (2 of 4 stars). 4 submissions from 4 submitters: Benign (2); Likely benign (2). Last evaluated 2026-01-26.

Allele frequency attached by ClinVar (database versions not stated): ExAC 0.00089; 1000 Genomes Project 0.00120; ESP Exome Variant Server 0.00125; TOPMed 0.00127; gnomAD 0.00137 and 0.00148; 1000 Genomes Project 30x 0.00141.
gnomAD v4.1: 1,604 of 1,595,716 alleles (0.1%); highest among the groups gnomAD compares: African/African-American, 0.27%; 2 homozygotes.

Submissions (4):

Labcorp Genetics (formerly Invitae), Labcorp
Classification: Benign. Last evaluated: 2026-01-26. Review status: criteria provided, single submitter. Criteria: Invitae Variant Classification Sherloc (09022015). Collection method: clinical testing. Allele origin: germline.

Blueprint Genetics
Classification: Likely benign. Last evaluated: 2024-10-24. Review status: criteria provided, single submitter. Criteria: ACMG Guidelines, 2015. Collection method: clinical testing. Allele origin: germline.

GeneDx
Classification: Likely benign. Last evaluated: 2020-07-10. Review status: criteria provided, single submitter. Criteria: GeneDx Variant Classification Process June 2021. Collection method: clinical testing. Allele origin: germline. Affected: yes.

Laboratory for Molecular Medicine, Mass General Brigham Personalized Medicine
Classification: Benign. Last evaluated: 2015-07-17. Review status: criteria provided, single submitter. Criteria: LMM Criteria. Collection method: clinical testing. Allele origin: germline. Observed: 3 variant alleles.
Comment: 542+14C>T in intron 3 of TSPEAR: This variant is not expected to have clinical s ignificance because it is not located within the conserved splice consensus sequ ence and because it has been identified in 0.4% (29/7930) of African chromosomes by the Exome Aggregation Consortium (ExAC; dbSN P rs200116408).